The following is an entry in ClinVar:

ClinVar aggregate classification (germline): Uncertain significance (1 of 4 stars; one submission).

Conditions:
Recurrent metabolic encephalomyopathic crises-rhabdomyolysis-cardiac arrhythmia-intellectual disability syndrome (MECRCN). Also called: TANGO2 Deficiency; METABOLIC CRISES, RECURRENT, WITH RHABDOMYOLYSIS, CARDIAC ARRHYTHMIAS, AND NEURODEGENERATION; Metabolic encephalomyopathic crises, recurrent, with rhabdomyolysis, cardiac arrhythmias, and neurodegeneration. Identifiers: Orphanet 480864, MedGen C5567524, MONDO:0018820, OMIM 616878.

Allele frequency attached by ClinVar (database versions not stated): gnomAD 0.00001; gnomAD exomes 0.00001; TOPMed 0.00001.
gnomAD v4.1: 7 of 1,613,220 alleles (0.00043%); highest among the groups gnomAD compares: Admixed American, 0.0017%; no homozygotes.

Submission:

MGZ Medical Genetics Center
Classification: Uncertain significance for Recurrent metabolic encephalomyopathic crises-rhabdomyolysis-cardiac arrhythmia-intellectual disability syndrome. Last evaluated: 2021-09-29. Review status: criteria provided, single submitter. Criteria: ACMG Guidelines, 2015. Collection method: clinical testing. Allele origin: germline. Affected: yes. Observed: 1 variant allele.
Comment: ACMG criteria applied: PM3, PM2_SUP

NM_152906.7(TANGO2):c.359A>G (p.Asn120Ser)

Gene: TANGO2 (transport and golgi organization 2 homolog; plus strand). Cytogenetic location: 22q11.21.
Variant type: single nucleotide variant.
Coding change: c.359A>G on transcript NM_152906.7 (MANE Select); coding-DNA position 359, A replaced by G.
Protein change: p.Asn120Ser; replaces asparagine 120 with serine.
Molecular consequence: missense variant. On other transcripts: non-coding transcript variant (1), intron variant (18).
Genome position (GRCh38, 1-based): chr22:20,053,530, A>G. VCF-style: chr22-20053530-A-G. GRCh37 (hg19) VCF-style: chr22-20041053-A-G.
Other names: c.359A>G, p.Asn120Ser (NM_001283106.3, NM_001283116.3, NM_001283148.3 and 3 more transcripts); c.482A>G, p.Asn161Ser (NM_001283129.3, NM_001283215.3, NM_001322141.2 and 3 more transcripts); c.257A>G, p.Asn86Ser (NM_001322146.2, NM_001322148.2, NM_001322160.2); c.265+946A>G (NM_001322163.2, NM_001283179.3, NM_001322167.2 and 4 more transcripts); c.86+946A>G (NM_001322174.2, NM_001322172.2, NM_001322175.2 and 6 more transcripts); c.388+946A>G (NM_001322145.2, NM_001322147.2); short protein forms N120S, N161S, N86S.
Identifiers: ClinVar variation 1709923 (VCV001709923.2), dbSNP rs1406010643, ClinGen allele CA410696854.